The following is an entry in ClinVar:

NM_019594.4(LRRC8A):c.2155C>T (p.Arg719Trp)

Gene: LRRC8A (leucine rich repeat containing 8 VRAC subunit A; plus strand). Cytogenetic location: 9q34.11.
Variant type: single nucleotide variant.
Coding change: c.2155C>T on transcript NM_019594.4 (MANE Select); coding-DNA position 2155, C replaced by T.
Protein change: p.Arg719Trp; replaces arginine 719 with tryptophan.
Molecular consequence: missense variant.
Genome position (GRCh38, 1-based): chr9:128,909,319, C>T. VCF-style: chr9-128909319-C-T. GRCh37 (hg19) VCF-style: chr9-131671598-C-T.
Other names: c.2155C>T (NM_001127244.1); c.2155C>T, p.Arg719Trp (NM_001127244.2, NM_001127245.2); short protein forms R719W.
Identifiers: ClinVar variation 1421062 (VCV001421062.8), dbSNP rs145027705, ClinGen allele CA5270999.

ClinVar aggregate classification (germline): Uncertain significance. Review status: criteria provided, multiple submitters, no conflicts (2 of 4 stars). 2 submissions from 2 submitters: Uncertain significance (2). Last evaluated 2025-12-11.

Allele frequency attached by ClinVar (database versions not stated): gnomAD exomes 0.00003 and 0.00012; ExAC 0.00015; ESP Exome Variant Server 0.00023; 1000 Genomes Project 30x 0.00031; gnomAD 0.00038 and 0.00041; TOPMed 0.00038; 1000 Genomes Project 0.00040.
gnomAD v4.1: 104 of 1,612,110 alleles (0.0065%); highest among the groups gnomAD compares: African/African-American, 0.11%; no homozygotes.

Submissions (3):

Labcorp Genetics (formerly Invitae), Labcorp
Classification: Uncertain significance. Last evaluated: 2025-12-11. Review status: criteria provided, single submitter. Criteria: Invitae Variant Classification Sherloc (09022015). Collection method: clinical testing. Allele origin: germline.
Comment: This sequence change replaces arginine, which is basic and polar, with tryptophan, which is neutral and slightly polar, at codon 719 of the LRRC8A protein (p.Arg719Trp). This variant is present in population databases (rs145027705, gnomAD 0.1%), and has an allele count higher than expected for a pathogenic variant. This variant has not been reported in the literature in individuals affected with LRRC8A-related conditions. ClinVar contains an entry for this variant (Variation ID: 1421062). An algorithm developed to predict the effect of missense changes on protein structure and function (PolyPhen-2) suggests that this variant is likely to be disruptive. In summary, the available evidence is currently insufficient to determine the role of this variant in disease. Therefore, it has been classified as a Variant of Uncertain Significance.

Ambry Genetics
Classification: Uncertain significance. Last evaluated: 2025-02-18. Review status: criteria provided, single submitter. Criteria: Ambry Variant Classification Scheme 2023. Collection method: clinical testing. Allele origin: germline.

Dr. Peter K. Rogan Lab, Western University
No classification provided (evidence only). Condition: Lung cancer. Review status: no classification provided. Collection method: in vitro. Allele origin: not applicable. Functional consequence: retained intron. Not counted in ClinVar's aggregate classification.